The following is an entry in ClinVar:

ClinVar aggregate classification (germline): Uncertain significance. Review status: criteria provided, multiple submitters, no conflicts (2 of 4 stars). 2 submissions from 2 submitters: Uncertain significance (2). Last evaluated 2022-10-25.

Allele frequency attached by ClinVar (database versions not stated): TOPMed below 0.00001; ExAC 0.00001.
gnomAD v4.1: 20 of 1,614,122 alleles (0.0012%); highest among the groups gnomAD compares: Non-Finnish European, 0.0014%; no homozygotes.

Submissions (2):

Labcorp Genetics (formerly Invitae), Labcorp
Classification: Uncertain significance. Last evaluated: 2022-10-25. Review status: criteria provided, single submitter. Criteria: Invitae Variant Classification Sherloc (09022015). Collection method: clinical testing. Allele origin: germline.
Comment: This sequence change replaces threonine, which is neutral and polar, with methionine, which is neutral and non-polar, at codon 15 of the RP1 protein (p.Thr15Met). This variant is present in population databases (rs758050819, gnomAD 0.003%). This variant has not been reported in the literature in individuals affected with RP1-related conditions. Algorithms developed to predict the effect of missense changes on protein structure and function are either unavailable or do not agree on the potential impact of this missense change (SIFT: "Tolerated"; PolyPhen-2: "Possibly Damaging"; Align-GVGD: "Class C0"). In summary, the available evidence is currently insufficient to determine the role of this variant in disease. Therefore, it has been classified as a Variant of Uncertain Significance.

Blueprint Genetics
Classification: Uncertain significance. Last evaluated: 2021-12-10. Review status: criteria provided, single submitter. Criteria: ACMG Guidelines, 2015. Collection method: clinical testing. Allele origin: germline.

NM_006269.2(RP1):c.44C>T (p.Thr15Met)

Gene: RP1 (RP1 axonemal microtubule associated; plus strand). Cytogenetic location: 8q12.1.
Variant type: single nucleotide variant.
Coding change: c.44C>T on transcript NM_006269.2 (MANE Select); coding-DNA position 44, C replaced by T.
Protein change: p.Thr15Met; replaces threonine 15 with methionine.
Molecular consequence: missense variant.
Genome position (GRCh38, 1-based): chr8:54,621,010, C>T. VCF-style: chr8-54621010-C-T. GRCh37 (hg19) VCF-style: chr8-55533570-C-T.
Other names: c.44C>T, p.Thr15Met (NM_001375654.1); short protein forms T15M.
Identifiers: ClinVar variation 2175356 (VCV002175356.5), dbSNP rs758050819, ClinGen allele CA4751074.